The following is an entry in ClinVar:

NM_030962.4(SBF2):c.1711-84G>A

Gene: SBF2 (SET binding factor 2; minus strand). Cytogenetic location: 11p15.4.
Variant type: single nucleotide variant.
Coding change: c.1711-84G>A on transcript NM_030962.4 (MANE Select); 84 bases into the intron before coding-DNA position 1711, G replaced by A.
Molecular consequence: intron variant.
Genome position (GRCh38, 1-based): chr11:9,962,190, C>T on the plus strand (G>A on the coding strand, the complement: SBF2 is on the minus strand). VCF-style: chr11-9962190-C-T. GRCh37 (hg19) VCF-style: chr11-9983737-C-T.
Other names: c.1582-84G>A (NM_001386342.1); c.1711-84G>A (NM_001386339.1).
Identifiers: ClinVar variation 670560 (VCV000670560.2), dbSNP rs2403226, ClinGen allele CA15703528.
Genomic context (GRCh38, chr11:9,962,190, plus strand): 5'-GACCAAATGGTACCACTGGGGGAAACAACAACTTTCAAACAATCATCCTGAAAATTCAAA[C>T]GCATCCTATAATTTATTTAACATAGTTATTAGTAAAATTAAACTCCTAGGGAATAGGTGA-3'

ClinVar aggregate classification (germline): Benign. Review status: criteria provided, multiple submitters, no conflicts (2 of 4 stars). 2 submissions from 2 submitters: Benign (2). Last evaluated 2018-06-19.

Allele frequency attached by ClinVar (database versions not stated): 1000 Genomes Project 0.25319; 1000 Genomes Project 30x 0.25328; gnomAD 0.27044 and 0.27231; TOPMed 0.27858; gnomAD exomes 0.31218.
gnomAD v4.1: 388,593 of 1,268,052 alleles (31%); highest among the groups gnomAD compares: Admixed American, 42%; 61,091 homozygotes.

Submissions (2):

GeneDx
Classification: Benign. Last evaluated: 2018-06-19. Review status: criteria provided, single submitter. Criteria: GeneDx Variant Classification (06012015). Collection method: clinical testing. Allele origin: germline. Affected: yes.
Comment: This variant is considered likely benign or benign based on one or more of the following criteria: it is a conservative change, it occurs at a poorly conserved position in the protein, it is predicted to be benign by multiple in silico algorithms, and/or has population frequency not consistent with disease.

Breakthrough Genomics
Classification: Benign. Review status: criteria provided, single submitter. Criteria: ACMG Guidelines, 2015. Collection method: not provided. Allele origin: germline. Inheritance: Autosomal recessive inheritance. Affected: yes.